The following is an entry in ClinVar:

ClinVar aggregate classification (germline): Uncertain significance (1 of 4 stars; one submission).

Allele frequency attached by ClinVar (database versions not stated): gnomAD exomes below 0.00001; ExAC 0.00001.
gnomAD v4.1: 1 of 1,614,236 alleles (0.000062%); highest among the groups gnomAD compares: South Asian, 0.0011%; no homozygotes.

Submission:

Ambry Genetics
Classification: Uncertain significance. Last evaluated: 2023-03-05. Review status: criteria provided, single submitter. Criteria: Ambry Variant Classification Scheme 2023. Collection method: clinical testing. Allele origin: germline.
Comment: The p.K189E variant (also known as c.565A>G), located in coding exon 7 of the RAD54L gene, results from an A to G substitution at nucleotide position 565. The lysine at codon 189 is replaced by glutamic acid, an amino acid with similar properties. This amino acid position is conserved. In addition, this alteration is predicted to be deleterious by in silico analysis. Since supporting evidence is limited at this time, the clinical significance of this alteration remains unclear.

NM_003579.4(RAD54L):c.565A>G (p.Lys189Glu)

Gene: RAD54L (RAD54 like; plus strand). Cytogenetic location: 1p34.1.
Variant type: single nucleotide variant.
Coding change: c.565A>G on transcript NM_003579.4 (MANE Select); coding-DNA position 565, A replaced by G.
Protein change: p.Lys189Glu; replaces lysine 189 with glutamic acid.
Molecular consequence: missense variant.
Genome position (GRCh38, 1-based): chr1:46,260,814, A>G. VCF-style: chr1-46260814-A-G. GRCh37 (hg19) VCF-style: chr1-46726486-A-G.
Other names: c.565A>G, p.Lys189Glu (NM_001142548.2); c.25A>G, p.Lys9Glu (NM_001370766.1); short protein forms K189E, K9E.
Identifiers: ClinVar variation 2496815 (VCV002496815.2), dbSNP rs750304183, ClinGen allele CA834297.